The following is an entry in ClinVar:

NM_000465.4(BARD1):c.2001+6T>C

Gene: BARD1 (BRCA1 associated RING domain 1; minus strand). Cytogenetic location: 2q35.
Variant type: single nucleotide variant.
Coding change: c.2001+6T>C on transcript NM_000465.4 (MANE Select); 6 bases into the intron after coding-DNA position 2001, T replaced by C.
Molecular consequence: intron variant.
Genome position (GRCh38, 1-based): chr2:214,730,405, A>G on the plus strand (T>C on the coding strand, the complement: BARD1 is on the minus strand). VCF-style: chr2-214730405-A-G. GRCh37 (hg19) VCF-style: chr2-215595129-A-G.
Other names: c.2001+6T>C (LRG_297t1); c.591+6T>C (NM_001282548.2); c.1944+6T>C (NM_001282543.2); c.648+6T>C (NM_001282545.2); c.462+6T>C (NM_001282549.2).
Identifiers: ClinVar variation 578273 (VCV000578273.13), dbSNP rs775009517, ClinGen allele CA2090107.

ClinVar aggregate classification (germline): Uncertain significance. Review status: criteria provided, multiple submitters, no conflicts (2 of 4 stars). 4 submissions from 4 submitters: Uncertain significance (4). Last evaluated 2024-09-15.

Conditions:
Hereditary cancer-predisposing syndrome. Also called: Tumor predisposition; Hereditary neoplastic syndrome; Hereditary Cancer Syndrome; Neoplastic Syndromes, Hereditary. Identifiers: Orphanet 140162, MedGen C0027672, MeSH D009386, MONDO:0015356.
Familial cancer of breast. Also called: hereditary breast carcinoma; BREAST CANCER, FAMILIAL; Hereditary breast cancer. Identifiers: Orphanet 227535, MedGen C0346153, MONDO:0016419, OMIM 114480. Disease mechanism: loss of function.

Allele frequency attached by ClinVar (database versions not stated): gnomAD exomes 0.00001 and 0.00002; ExAC 0.00002.
gnomAD v4.1: 8 of 1,611,228 alleles (0.0005%); highest among the groups gnomAD compares: South Asian, 0.0088%; 1 homozygote.

Submissions (4):

GeneDx
Classification: Uncertain significance. Last evaluated: 2024-09-15. Review status: criteria provided, single submitter. Criteria: GeneDx Variant Classification Process June 2021. Collection method: clinical testing. Allele origin: germline. Affected: yes.
Comment: Not observed at significant frequency in large population cohorts (gnomAD); In silico analysis indicates that this variant does not alter splicing; Has not been previously published as pathogenic or benign to our knowledge

Labcorp Genetics (formerly Invitae), Labcorp
Classification: Uncertain significance for Familial cancer of breast. Last evaluated: 2023-12-07. Review status: criteria provided, single submitter. Criteria: Invitae Variant Classification Sherloc (09022015). Collection method: clinical testing. Allele origin: germline.
Comment: This sequence change falls in intron 10 of the BARD1 gene. It does not directly change the encoded amino acid sequence of the BARD1 protein. It affects a nucleotide within the consensus splice site. This variant is present in population databases (rs775009517, gnomAD 0.01%). This variant has not been reported in the literature in individuals affected with BARD1-related conditions. ClinVar contains an entry for this variant (Variation ID: 578273). Variants that disrupt the consensus splice site are a relatively common cause of aberrant splicing (PMID: 17576681, 9536098). Algorithms developed to predict the effect of sequence changes on RNA splicing suggest that this variant may disrupt the consensus splice site. In summary, the available evidence is currently insufficient to determine the role of this variant in disease. Therefore, it has been classified as a Variant of Uncertain Significance.

Quest Diagnostics Nichols Institute San Juan Capistrano
Classification: Uncertain significance. Last evaluated: 2023-08-18. Review status: criteria provided, single submitter. Criteria: Quest Diagnostics criteria. Collection method: clinical testing. Allele origin: unknown.
Comment: To the best of our knowledge, this variant has not been reported in the published literature. The frequency of this variant in the general population, 0.00013 (4/30608 chromosomes (Genome Aggregation Database)), is uninformative in the assessment of its pathogenicity. Analysis of this variant using software algorithms for the prediction of the effect of nucleotide changes on splicing yielded predictions that this variant does not affect BARD1 mRNA splicing . Based on the available information, we are unable to determine the clinical significance of this variant.

Color Diagnostics, LLC DBA Color Health
Classification: Uncertain significance for Hereditary cancer-predisposing syndrome. Last evaluated: 2019-06-19. Review status: criteria provided, single submitter. Criteria: ACMG Guidelines, 2015. Collection method: clinical testing. Allele origin: germline.

Literature cited by the submitters: PubMed 17576681 (cited by Labcorp Genetics (formerly Invitae), Labcorp); PubMed 9536098 (cited by Labcorp Genetics (formerly Invitae), Labcorp).